The following is an entry in ClinVar:

ClinVar aggregate classification (germline): Uncertain significance (1 of 4 stars; one submission).

Conditions:
EP300-related disorder. Also called: EP300-related condition; EP300-related disorders.

gnomAD v4.1: 6 of 1,613,914 alleles (0.00037%); highest among the groups gnomAD compares: Non-Finnish European, 0.00051%; no homozygotes.

Submission:

PreventionGenetics, part of Exact Sciences
Classification: Uncertain significance for EP300-related condition. Last evaluated: 2026-01-16. Review status: criteria provided, single submitter. Criteria: ACMG Guidelines, 2015. Collection method: clinical testing. Allele origin: germline.
Comment: The EP300 c.6049T>C variant is predicted to result in the amino acid substitution p.Ser2017Pro. To our knowledge, this variant has not been reported in the literature. This variant is reported in 0.00088% of alleles in individuals of European (Non-Finnish) descent in gnomAD. At this time, the clinical significance of this variant is uncertain due to the absence of conclusive functional and genetic evidence.

NM_001429.4(EP300):c.6049T>C (p.Ser2017Pro)

Gene: EP300 (EP300 lysine acetyltransferase; plus strand). Cytogenetic location: 22q13.2.
Variant type: single nucleotide variant.
Coding change: c.6049T>C on transcript NM_001429.4 (MANE Select); coding-DNA position 6049, T replaced by C.
Protein change: p.Ser2017Pro; replaces serine 2017 with proline.
Molecular consequence: missense variant.
Genome position (GRCh38, 1-based): chr22:41,177,760, T>C. VCF-style: chr22-41177760-T-C. GRCh37 (hg19) VCF-style: chr22-41573764-T-C.
Other names: c.5971T>C, p.Ser1991Pro (NM_001362843.2); short protein forms S1991P, S2017P.
Identifiers: ClinVar variation 5000909 (VCV005000909.1).